The following is an entry in ClinVar:

NM_004656.4(BAP1):c.510dup (p.Val171fs)

Gene: BAP1 (BRCA1 associated deubiquitinase 1; minus strand). Cytogenetic location: 3p21.1.
Variant type: Duplication.
Coding change: c.510dup on transcript NM_004656.4 (MANE Select); coding-DNA position 510, one base duplicated (T; older notation c.510dupT).
Protein change: p.Val171fs; shifts the reading frame from valine 171.
Molecular consequence: frameshift variant.
Genome position (GRCh38, 1-based): chr3:52,407,244, A duplicated on the plus strand (T on the coding strand, the reverse complement: BAP1 is on the minus strand); the first of 3 consecutive A bases (chr3:52,407,244-52,407,246); duplicating any one gives the same sequence. VCF-style (leftmost placement, unchanged base first): chr3-52407243-C-CA. GRCh37 (hg19) VCF-style: chr3-52441259-C-CA.
Other names: c.510dup (NM_004656.3); short protein forms V171fs.
Identifiers: ClinVar variation 412430 (VCV000412430.14), dbSNP rs1553645809, ClinGen allele CA16611359.

ClinVar aggregate classification (germline): Pathogenic. Review status: criteria provided, multiple submitters, no conflicts (2 of 4 stars). 3 submissions from 3 submitters: Pathogenic (3). Last evaluated 2025-12-20.

Conditions:
BAP1-related tumor predisposition syndrome (TPDS1). Also called: BAP1 tumor predisposition syndrome; Tumor susceptibility linked to germline BAP1 mutations; TUMOR PREDISPOSITION SYNDROME 1; COMMON Syndrome. Identifiers: Orphanet 289539, MedGen C3280492, MONDO:0013692, OMIM 614327.
Hereditary cancer-predisposing syndrome. Also called: Neoplastic Syndromes, Hereditary; Tumor predisposition; Hereditary Cancer Syndrome; Hereditary neoplastic syndrome. Identifiers: Orphanet 140162, MedGen C0027672, MeSH D009386, MONDO:0015356.

Submissions (3):

Labcorp Genetics (formerly Invitae), Labcorp
Classification: Pathogenic for BAP1-related tumor predisposition syndrome. Last evaluated: 2025-12-20. Review status: criteria provided, single submitter. Criteria: Invitae Variant Classification Sherloc (09022015). Collection method: clinical testing. Allele origin: germline.
Comment: This sequence change creates a premature translational stop signal (p.Val171Cysfs*12) in the BAP1 gene. It is expected to result in an absent or disrupted protein product. Loss-of-function variants in BAP1 are known to be pathogenic (PMID: 21874000, 23684012). This variant is not present in population databases (gnomAD no frequency). This premature translational stop signal has been observed in individual(s) with uveal melanoma, as well as colon, prostate, and kidney cancer (PMID: 25974357). This variant is also known as c.510_511insT. ClinVar contains an entry for this variant (Variation ID: 412430). For these reasons, this variant has been classified as Pathogenic.

Ambry Genetics
Classification: Pathogenic for Hereditary cancer-predisposing syndrome. Last evaluated: 2022-09-23. Review status: criteria provided, single submitter. Criteria: Ambry Variant Classification Scheme 2023. Collection method: clinical testing. Allele origin: germline.
Comment: The c.510dupT pathogenic mutation, located in coding exon 7 of the BAP1 gene, results from a duplication of T at nucleotide position 510, causing a translational frameshift with a predicted alternate stop codon (p.V171Cfs*12). This variant, referred to as c.510_511insT, has been reported in an individual diagnosed with uveal melanoma who also had a family history of cutaneous melanoma, colon cancer, and stomach/liver cancer (Gupta MP et al. JAMA Ophthalmol. 2015 Aug;133:881-7). This variant is considered to be rare based on population cohorts in the Genome Aggregation Database (gnomAD). In addition to the clinical data presented in the literature, this alteration is expected to result in loss of function by premature protein truncation or nonsense-mediated mRNA decay. As such, this alteration is interpreted as a disease-causing mutation.

Color Diagnostics, LLC DBA Color Health
Classification: Pathogenic for Hereditary cancer-predisposing syndrome. Last evaluated: 2019-08-09. Review status: criteria provided, single submitter. Criteria: ACMG Guidelines, 2015. Collection method: clinical testing. Allele origin: germline.
Comment: This variant inserts 1 nucleotide in exon 7 of the BAP1 gene, creating a frameshift and premature translation stop signal. This variant is also known as c.510_511insT in the literature. This variant is expected to result in an absent or non-functional protein product. Computational splicing tools suggest that this variant may not impact RNA splicing. To our knowledge, functional assays have not been performed for this variant. This variant has been observed in an individual affected with uveal melanoma, colon cancer, prostate cancer and kidney cancer and has a positive family history of cutaneous melanoma and other cancers (PMID: 25974357). This variant has not been identified in the general population by the Genome Aggregation Database (gnomAD). Loss of BAP1 function is a known mechanism of disease. Based on available evidence, this variant is classified as Pathogenic.

Literature cited by the submitters: PubMed 21874000 (cited by Labcorp Genetics (formerly Invitae), Labcorp); PubMed 23684012 (cited by Labcorp Genetics (formerly Invitae), Labcorp); PubMed 25974357 (cited by Labcorp Genetics (formerly Invitae), Labcorp and Ambry Genetics).